The following is an entry in ClinVar:

ClinVar aggregate classification (germline): Uncertain significance (1 of 4 stars; one submission).

Conditions:
Hereditary cancer-predisposing syndrome. Also called: Neoplastic Syndromes, Hereditary; Tumor predisposition; Hereditary Cancer Syndrome; Hereditary neoplastic syndrome. Identifiers: Orphanet 140162, MedGen C0027672, MeSH D009386, MONDO:0015356.

Submissions (2):

Color Diagnostics, LLC DBA Color Health
Classification: Uncertain significance for Hereditary cancer-predisposing syndrome. Last evaluated: 2025-04-28. Review status: criteria provided, single submitter. Criteria: ACMG Guidelines, 2015. Collection method: clinical testing. Allele origin: germline.
Comment: This missense variant replaces proline with histidine at codon 58 of the BRCA1 protein. Computational prediction is inconclusive regarding the impact of this variant on protein structure and function. Functional studies have reported discordant results for this variant in which mammalian and yeast two-hybrid binding assays to BARD1 and E3 ubiquitin ligase found no impact (PMID: 25823446, 35659930), while a mammalian haploid cell proliferation assay found this variant as disruptive to function (PMID: 30209399). To our knowledge, this variant has not been reported in individuals affected with BRCA1-related disorders in the literature. This variant has not been identified in the general population by the Genome Aggregation Database (gnomAD). The available evidence is insufficient to determine the role of this variant in disease conclusively. Therefore, this variant is classified as a Variant of Uncertain Significance.

Brotman Baty Institute, University of Washington
No classification provided (evidence only). Condition: Breast-ovarian cancer, familial 1. Review status: no classification provided. Collection method: in vitro. Allele origin: not applicable. Functional consequence: functionally_abnormal. Not counted in ClinVar's aggregate classification.
ClinVar note: "not provided" was previously submitted as the classification for the variant. However, the classification appeared to be based only on an observation of functional data so it was converted to no classification on 2025-07-30.

Literature cited by the submitters: PubMed 25823446 (cited by Color Diagnostics, LLC DBA Color Health); PubMed 30209399 (cited by Color Diagnostics, LLC DBA Color Health); PubMed 35659930 (cited by Color Diagnostics, LLC DBA Color Health).

NM_007294.4(BRCA1):c.173C>A (p.Pro58His)

Gene: BRCA1 (BRCA1 DNA repair associated; minus strand). Cytogenetic location: 17q21.31.
Variant type: single nucleotide variant.
Coding change: c.173C>A on transcript NM_007294.4 (MANE Select); coding-DNA position 173, C replaced by A.
Protein change: p.Pro58His; replaces proline 58 with histidine.
Molecular consequence: missense variant. On other transcripts: non-coding transcript variant (1).
Genome position (GRCh38, 1-based): chr17:43,106,495, G>T on the plus strand (C>A on the coding strand, the complement: BRCA1 is on the minus strand). VCF-style: chr17-43106495-G-T. GRCh37 (hg19) VCF-style: chr17-41258512-G-T.
Other names: c.173C>A, p.Pro58His (NM_001407630.1, NM_001407631.1, NM_001407632.1 and 168 more transcripts); c.32C>A, p.Pro11His (NM_001407692.1, NM_001407694.1, NM_001407695.1 and 99 more transcripts); c.-16C>A (NM_001407853.1, NM_001407879.1, NM_001407881.1 and 58 more transcripts); short protein forms P11H, P58H.
Identifiers: ClinVar variation 868242 (VCV000868242.4), dbSNP rs2054783819, ClinGen allele CA10601813.